The following is an entry in ClinVar:

NM_001042492.3(NF1):c.2947_2948del (p.Leu983fs)

Gene: NF1 (neurofibromin 1; plus strand). Cytogenetic location: 17q11.2.
Variant type: Deletion.
Coding change: c.2947_2948del on transcript NM_001042492.3 (MANE Select); coding-DNA positions 2947 to 2948, 2 bases deleted (CT; older notation c.2947_2948delCT).
Protein change: p.Leu983fs; shifts the reading frame from leucine 983.
Molecular consequence: frameshift variant.
Genome position (GRCh38, 1-based): chr17:31,229,931-31,229,932, CT deleted; deleting any 2 consecutive bases within chr17:31,229,930-31,229,932 gives the same sequence; the c. name uses the placement nearest the transcript's 3' end. VCF-style (leftmost placement, unchanged base first): chr17-31229929-ATC-A. GRCh37 (hg19) VCF-style: chr17-29556947-ATC-A.
Other names: c.2947_2948delCT (NM_000267.3); c.2947_2948del (NM_001042492.2); c.2947_2948delCT, p.Leu983Argfs (NM_000267.4); short protein forms L983fs.
Identifiers: ClinVar variation 658369 (VCV000658369.9), dbSNP rs1597716378, ClinGen allele CA915949823.

ClinVar aggregate classification (germline): Conflicting classifications of pathogenicity. Review status: criteria provided, conflicting classifications (1 of 4 stars). 3 submissions from 3 submitters: Pathogenic (2); Uncertain significance (1). Last evaluated 2024-06-17.

Conditions:
Neurofibromatosis, type 1 (NF1). Also called: VON RECKLINGHAUSEN DISEASE; NEUROFIBROMATOSIS, TYPE I, SOMATIC; Peripheral type neurofibromatosis; Neurofibromatosis, type I. Identifiers: Orphanet 636, MedGen C0027831, MONDO:0018975, OMIM 162200. Disease mechanism: loss of function.

Submissions (3):

3billion
Classification: Pathogenic for Neurofibromatosis, type 1. Last evaluated: 2024-06-17. Review status: criteria provided, single submitter. Criteria: ACMG Guidelines, 2015. Collection method: clinical testing. Allele origin: germline. Affected: yes.
Comment: The variant is not observed in the gnomAD v4.0.0 dataset. Predicted Consequence/Location: Frameshift: predicted to result in a loss or disruption of normal protein function through nonsense-mediated decay (NMD) or protein truncation. Multiple pathogenic variants are reported downstream of the variant. The variant has been reported to be associated with NF1 related disorder (ClinVar ID: VCV000658369). Therefore, this variant is classified as Pathogenic according to the recommendation of ACMG/AMP guideline.

Labcorp Genetics (formerly Invitae), Labcorp
Classification: Pathogenic for Neurofibromatosis, type 1. Last evaluated: 2019-01-01. Review status: criteria provided, single submitter. Criteria: Invitae Variant Classification Sherloc (09022015). Collection method: clinical testing. Allele origin: germline.
Comment: This sequence change creates a premature translational stop signal (p.Leu983Argfs*4) in the NF1 gene. It is expected to result in an absent or disrupted protein product. Loss-of-function variants in NF1 are known to be pathogenic (PMID: 10712197, 23913538). For these reasons, this variant has been classified as Pathogenic. This variant has not been reported in the literature in individuals with NF1-related conditions. This variant is not present in population databases (ExAC no frequency).

Genomic Medicine Center of Excellence, King Faisal Specialist Hospital and Research Centre
Classification: Uncertain significance for Neurofibromatosis, type 1. Review status: criteria provided, single submitter. Criteria: ACMG Guidelines, 2015. Collection method: clinical testing. Allele origin: germline.

Literature cited by the submitters: PubMed 10712197 (cited by Labcorp Genetics (formerly Invitae), Labcorp); PubMed 23913538 (cited by Labcorp Genetics (formerly Invitae), Labcorp).